The following is an entry in ClinVar:

ClinVar aggregate classification (germline): Uncertain significance (1 of 4 stars; one submission).

Allele frequency attached by ClinVar (database versions not stated): gnomAD exomes below 0.00001.

Submission:

Labcorp Genetics (formerly Invitae), Labcorp
Classification: Uncertain significance. Last evaluated: 2022-03-02. Review status: criteria provided, single submitter. Criteria: Invitae Variant Classification Sherloc (09022015). Collection method: clinical testing. Allele origin: germline.
Comment: Algorithms developed to predict the effect of sequence changes on RNA splicing suggest that this variant may create or strengthen a splice site. Advanced modeling of protein sequence and biophysical properties (such as structural, functional, and spatial information, amino acid conservation, physicochemical variation, residue mobility, and thermodynamic stability) performed at Invitae indicates that this missense variant is expected to disrupt GNAT2 protein function. This variant has not been reported in the literature in individuals affected with GNAT2-related conditions. This variant is not present in population databases (gnomAD no frequency). This sequence change replaces leucine, which is neutral and non-polar, with valine, which is neutral and non-polar, at codon 227 of the GNAT2 protein (p.Leu227Val). In summary, the available evidence is currently insufficient to determine the role of this variant in disease. Therefore, it has been classified as a Variant of Uncertain Significance.

NM_001377295.2(GNAT2):c.679C>G (p.Leu227Val)

Genes: GNAT2 (G protein subunit alpha transducin 2; minus strand), LOC129388577 (MPRA-validated peak357 silencer; plus strand). Cytogenetic location: 1p13.3.
Variant type: single nucleotide variant.
Coding change: c.679C>G on transcript NM_001377295.2 (MANE Select); coding-DNA position 679, C replaced by G.
Protein change: p.Leu227Val; replaces leucine 227 with valine.
Molecular consequence: missense variant.
Genome position (GRCh38, 1-based): chr1:109,606,011, G>C on the plus strand (C>G on the coding strand, the complement: GNAT2 is on the minus strand). VCF-style: chr1-109606011-G-C. GRCh37 (hg19) VCF-style: chr1-110148633-G-C.
Other names: c.679C>G, p.Leu227Val (NM_001379232.1, NM_005272.5); short protein forms L227V.
Identifiers: ClinVar variation 1352937 (VCV001352937.6), dbSNP rs1649580303, ClinGen allele CA341536747.